The following is an entry in ClinVar:

NM_177433.3(MAGED2):c.3G>A (p.Met1Ile)

Gene: MAGED2 (MAGE family member D2; plus strand). Cytogenetic location: Xp11.21.
Variant type: single nucleotide variant.
Coding change: c.3G>A on transcript NM_177433.3 (MANE Select); coding-DNA position 3, G replaced by A.
Protein change: p.Met1Ile; changes the start codon (methionine 1).
Molecular consequence: missense variant, initiator codon variant.
Genome position (GRCh38, 1-based): chrX:54,809,334, G>A. VCF-style: chrX-54809334-G-A. GRCh37 (hg19) VCF-style: chrX-54835767-G-A.
Other names: c.3G>A, p.Met1Ile (NM_014599.6, NM_201222.3); short protein forms M1I.
Identifiers: ClinVar variation 4714432 (VCV004714432.1).

ClinVar aggregate classification (germline): Uncertain significance (1 of 4 stars; one submission).

Submission:

Labcorp Genetics (formerly Invitae), Labcorp
Classification: Uncertain significance. Last evaluated: 2025-06-12. Review status: criteria provided, single submitter. Criteria: Invitae Variant Classification Sherloc (09022015). Collection method: clinical testing. Allele origin: germline.
Comment: This sequence change affects the initiator codon of the MAGED2 mRNA. This change may impact translation initiation or efficiency. The next in-frame methionine is located at codon 26. This variant is not present in population databases (gnomAD no frequency). This variant has not been reported in the literature in individuals affected with MAGED2-related conditions. Experimental studies and prediction algorithms are not available or were not evaluated, and the functional significance of this variant is currently unknown. In summary, the available evidence is currently insufficient to determine the role of this variant in disease. Therefore, it has been classified as a Variant of Uncertain Significance.